The following is an entry in ClinVar:

ClinVar aggregate classification (germline): Uncertain significance (1 of 4 stars; one submission).

Conditions:
Cardiovascular phenotype. Identifiers: MedGen CN230736.

Allele frequency attached by ClinVar (database versions not stated): gnomAD exomes below 0.00001.

Submission:

Ambry Genetics
Classification: Uncertain significance for Cardiovascular phenotype. Last evaluated: 2020-03-06. Review status: criteria provided, single submitter. Criteria: Ambry Variant Classification Scheme 2023. Collection method: clinical testing. Allele origin: germline.
Comment: The c.3621delT variant, located in coding exon 24 of the TRPM4 gene, results from a deletion of one nucleotide at nucleotide position 3621, causing a translational frameshift with a predicted alternate stop codon (p.D1208Tfs*25). Frameshifts are typically deleterious in nature, however, this frameshift occurs at the 3' terminus of TRPM4, is not expected to trigger nonsense-mediated mRNA decay, and results in the elongation of the protein by 17 amino acids. The exact functional impact of these inserted amino acids is unknown at this time. Since supporting evidence is limited at this time, the clinical significance of this alteration remains unclear.

NM_017636.4(TRPM4):c.3621del (p.Asp1208fs)

Gene: TRPM4 (transient receptor potential cation channel subfamily M member 4; plus strand). Cytogenetic location: 19q13.33.
Variant type: Deletion.
Coding change: c.3621del on transcript NM_017636.4 (MANE Select); coding-DNA position 3621, one base deleted (T; older notation c.3621delT).
Protein change: p.Asp1208fs; shifts the reading frame from aspartic acid 1208.
Molecular consequence: frameshift variant.
Genome position (GRCh38, 1-based): chr19:49,211,250, T deleted. VCF-style (leftmost placement, unchanged base first): chr19-49211249-CT-C. GRCh37 (hg19) VCF-style: chr19-49714506-CT-C.
Other names: c.3186del, p.Asp1063fs (NM_001195227.2); c.3276del, p.Asp1093fs (NM_001321281.2); c.2013del, p.Asp672fs (NM_001321282.2); c.3099del, p.Asp1034fs (NM_001321283.2); c.2559del, p.Asp854fs (NM_001321285.2); short protein forms D1093fs, D1063fs, D1208fs, D854fs, D1034fs, D672fs.
Identifiers: ClinVar variation 1733330 (VCV001733330.2), dbSNP rs2514245544, ClinGen allele CA2580097548.